The following is an entry in ClinVar:

ClinVar aggregate classification (germline): Uncertain significance. Review status: criteria provided, multiple submitters, no conflicts (2 of 4 stars). 6 submissions from 6 submitters: Uncertain significance (6). Last evaluated 2025-12-29.

Conditions:
Hereditary cancer-predisposing syndrome. Also called: Neoplastic Syndromes, Hereditary; Hereditary Cancer Syndrome; Tumor predisposition; Hereditary neoplastic syndrome. Identifiers: Orphanet 140162, MedGen C0027672, MeSH D009386, MONDO:0015356.
Gastrointestinal stromal tumor. Also called: Gastrointestinal stromal tumor, somatic; Gastrointestinal stroma tumor. Identifiers: Orphanet 44890, MedGen C0238198, MeSH D046152, MONDO:0011719, OMIM 606764, HP:0100723.
Pheochromocytoma/paraganglioma syndrome 4. Also called: Paragangliomas 4; SDHB-Related Hereditary Paraganglioma-Pheochromocytoma Syndrome; CAROTID BODY TUMORS AND MULTIPLE EXTRAADRENAL PHEOCHROMOCYTOMAS; SDHB-Related Hereditary Paraganglioma-Pheochromocytoma Syndrome (Paragangliomas 4); PARAGANGLIOMA, FAMILIAL MALIGNANT; PARAGANGLIOMAS, HEREDITARY EXTRAADRENAL. Identifiers: Orphanet 29072, MedGen C1861848, MONDO:0007273, OMIM 115310.
Pheochromocytoma. Also called: MAX-Related Hereditary Paraganglioma-Pheochromocytoma Syndrome. Identifiers: Orphanet 29072, MedGen C0031511, MONDO:0008233, OMIM 171300, HP:0002666.
Hereditary pheochromocytoma and paraganglioma. Also called: Hereditary paragangliomas and pheochromocytomas; Hereditary pheochromocytoma-paraganglioma; Hereditary Paraganglioma-Pheochromocytoma Syndromes. Identifiers: Orphanet 29072, MedGen C4274332, MONDO:0017366.

Allele frequency attached by ClinVar (database versions not stated): gnomAD 0.00001; TOPMed 0.00003.
gnomAD v4.1: 2 of 1,598,188 alleles (0.00013%); highest among the groups gnomAD compares: Non-Finnish European, 0.00017%; no homozygotes.

Submissions (6):

Center for Genomic Medicine, Rigshospitalet, Copenhagen University Hospital
Classification: Uncertain significance. Last evaluated: 2025-12-29. Review status: criteria provided, single submitter. Criteria: ACMG Guidelines, 2015. Collection method: clinical testing. Allele origin: germline.

Labcorp Genetics (formerly Invitae), Labcorp
Classification: Uncertain significance for Gastrointestinal stromal tumor; Pheochromocytoma/paraganglioma syndrome 4; Pheochromocytoma. Last evaluated: 2025-11-30. Review status: criteria provided, single submitter. Criteria: Invitae Variant Classification Sherloc (09022015). Collection method: clinical testing. Allele origin: germline.
Comment: This sequence change replaces glutamic acid, which is acidic and polar, with glutamine, which is neutral and polar, at codon 175 of the SDHB protein (p.Glu175Gln). This variant is present in population databases (rs202203339, gnomAD 0.007%). This variant has not been reported in the literature in individuals affected with SDHB-related conditions. ClinVar contains an entry for this variant (Variation ID: 528731). Invitae Evidence Modeling of protein sequence and biophysical properties (such as structural, functional, and spatial information, amino acid conservation, physicochemical variation, residue mobility, and thermodynamic stability) indicates that this missense variant is not expected to disrupt SDHB protein function with a negative predictive value of 80%. In summary, the available evidence is currently insufficient to determine the role of this variant in disease. Therefore, it has been classified as a Variant of Uncertain Significance.

Ambry Genetics
Classification: Uncertain significance for Hereditary cancer-predisposing syndrome. Last evaluated: 2025-05-25. Review status: criteria provided, single submitter. Criteria: Ambry Variant Classification Scheme 2023. Collection method: clinical testing. Allele origin: germline.
Comment: The p.E175Q variant (also known as c.523G>C), located in coding exon 5 of the SDHB gene, results from a G to C substitution at nucleotide position 523. The glutamic acid at codon 175 is replaced by glutamine, an amino acid with highly similar properties. This amino acid position is well conserved in available vertebrate species. In addition, the in silico prediction for this alteration is inconclusive. Since supporting evidence is limited at this time, the clinical significance of this alteration remains unclear.

All of Us Research Program, National Institutes of Health
Classification: Uncertain significance for Hereditary pheochromocytoma and paraganglioma. Last evaluated: 2023-12-01. Review status: criteria provided, single submitter. Criteria: ACMG Guidelines, 2015. Collection method: clinical testing. Allele origin: germline. Inheritance: Autosomal dominant inheritance. Observed: 1 variant allele, 1 heterozygote.
Comment: This study involves interpretation of variants in research participants for the purpose of population health screening. Participant phenotype was not available at the time of variant classification. Additional details can be found in publication PMID: 35346344, PMCID: PMC8962531

CeGaT Center for Human Genetics Tuebingen
Classification: Uncertain significance. Last evaluated: 2023-03-01. Review status: criteria provided, single submitter. Criteria: CeGaT Center For Human Genetics Tuebingen Variant Classification Criteria Version 2. Collection method: clinical testing. Allele origin: germline. Affected: yes. Observed: 1 variant allele.
Comment: SDHB: PM2

Sema4
Classification: Uncertain significance for Hereditary cancer-predisposing syndrome. Last evaluated: 2021-12-23. Review status: criteria provided, single submitter. Criteria: Sema4 Curation Guidelines. Collection method: curation. Allele origin: germline.
Comment: The SDHB c.523G>C (p.E175Q) variant has not been reported in the literature to our knowledge. The glutamic acid residue is highly conserved at this position. This variant was observed in 1/15434 chromosomes of the Non-Finnish European (NFE) subpopulation in the large and broad cohorts of the Genome Aggregation Database (PMID: 32461654). This variant has been reported in ClinVar (Variation ID 528731). Functional studies have not been performed, and in silico predictions of the variant's effect on protein function are inconclusive. The evidence is insufficient to meet ACMG/AMP criteria for classifying the variant as benign or pathogenic. Thus, the clinical significance of this variant is currently uncertain.

NM_003000.3(SDHB):c.523G>C (p.Glu175Gln)

Gene: SDHB (succinate dehydrogenase complex iron sulfur subunit B; minus strand). Cytogenetic location: 1p36.13.
Variant type: single nucleotide variant.
Coding change: c.523G>C on transcript NM_003000.3 (MANE Select); coding-DNA position 523, G replaced by C.
Protein change: p.Glu175Gln; replaces glutamic acid 175 with glutamine.
Molecular consequence: missense variant.
Genome position (GRCh38, 1-based): chr1:17,027,766, C>G on the plus strand (G>C on the coding strand, the complement: SDHB is on the minus strand). VCF-style: chr1-17027766-C-G. GRCh37 (hg19) VCF-style: chr1-17354261-C-G.
Other names: short protein forms E175Q.
Identifiers: ClinVar variation 528731 (VCV000528731.40), dbSNP rs202203339, ClinGen allele CA18665895.